The following is an entry in ClinVar:

ClinVar aggregate classification (germline): Pathogenic (1 of 4 stars; one submission).

Conditions:
Hereditary spastic paraplegia 54. Also called: Spastic paraplegia 54, autosomal recessive. Identifiers: Orphanet 320380, MedGen C3539495, MONDO:0014018, OMIM 615033.

Submission:

Labcorp Genetics (formerly Invitae), Labcorp
Classification: Pathogenic for Hereditary spastic paraplegia 54. Last evaluated: 2024-01-09. Review status: criteria provided, single submitter. Criteria: Invitae Variant Classification Sherloc (09022015). Collection method: clinical testing. Allele origin: germline.
Comment: This sequence change creates a premature translational stop signal (p.Lys152Thrfs*27) in the DDHD2 gene. It is expected to result in an absent or disrupted protein product. Loss-of-function variants in DDHD2 are known to be pathogenic (PMID: 23176823, 23486545). This variant is not present in population databases (gnomAD no frequency). This variant has not been reported in the literature in individuals affected with DDHD2-related conditions. For these reasons, this variant has been classified as Pathogenic.

Literature cited by the submitters: PubMed 23176823; PubMed 23486545.

NM_015214.3(DDHD2):c.453_454del (p.Lys152fs)

Gene: DDHD2 (DDHD domain containing 2; plus strand). Cytogenetic location: 8p11.23.
Variant type: Deletion.
Coding change: c.453_454del on transcript NM_015214.3 (MANE Select); coding-DNA positions 453 to 454, 2 bases deleted (GA; older notation c.453_454delGA).
Protein change: p.Lys152fs; shifts the reading frame from lysine 152.
Molecular consequence: frameshift variant. On other transcripts: non-coding transcript variant (2).
Genome position (GRCh38, 1-based): chr8:38,237,579-38,237,580, GA deleted; deleting any 2 consecutive bases within chr8:38,237,578-38,237,580 gives the same sequence; the c. name uses the placement nearest the transcript's 3' end. VCF-style (leftmost placement, unchanged base first): chr8-38237577-AAG-A. GRCh37 (hg19) VCF-style: chr8-38095095-AAG-A.
Other names: c.453_454del, p.Lys152fs (NM_001362911.2, NM_001362912.2, NM_001362913.2 and 3 more transcripts); short protein forms K152fs.
Identifiers: ClinVar variation 2694153 (VCV002694153.3), dbSNP rs2486793601, ClinGen allele CA2697549844.
Genomic context (GRCh38, chr8:38,237,577, plus strand): 5'-TGAAATGTGTTTTCTTTTAAGGAAACTTACATGCTTGCTGTAACTTTGGATGAATGGAAA[AAG>A]AAACTGGAATCTCCCAACAGAGAAATTATTATTTTACACAATCCAAAGGTAAAACAAAGC-3'